The following is an entry in ClinVar:

ClinVar aggregate classification (germline): Uncertain significance (1 of 4 stars; one submission).

Allele frequency attached by ClinVar (database versions not stated): gnomAD exomes below 0.00001.
gnomAD v4.1: 1 of 1,614,122 alleles (0.000062%); highest among the groups gnomAD compares: African/African-American, 0.0013%; no homozygotes.

Submission:

Labcorp Genetics (formerly Invitae), Labcorp
Classification: Uncertain significance. Last evaluated: 2023-12-11. Review status: criteria provided, single submitter. Criteria: Invitae Variant Classification Sherloc (09022015). Collection method: clinical testing. Allele origin: germline.
Comment: This sequence change replaces proline, which is neutral and non-polar, with serine, which is neutral and polar, at codon 1504 of the FAT4 protein (p.Pro1504Ser). This variant is not present in population databases (gnomAD no frequency). This variant has not been reported in the literature in individuals affected with FAT4-related conditions. ClinVar contains an entry for this variant (Variation ID: 1717329). Advanced modeling of protein sequence and biophysical properties (such as structural, functional, and spatial information, amino acid conservation, physicochemical variation, residue mobility, and thermodynamic stability) has been performed at Invitae for this missense variant, however the output from this modeling did not meet the statistical confidence thresholds required to predict the impact of this variant on FAT4 protein function. In summary, the available evidence is currently insufficient to determine the role of this variant in disease. Therefore, it has been classified as a Variant of Uncertain Significance.

NM_001291303.3(FAT4):c.4510C>T (p.Pro1504Ser)

Gene: FAT4 (FAT atypical cadherin 4; plus strand). Cytogenetic location: 4q28.1.
Variant type: single nucleotide variant.
Coding change: c.4510C>T on transcript NM_001291303.3 (MANE Select); coding-DNA position 4510, C replaced by T.
Protein change: p.Pro1504Ser; replaces proline 1504 with serine.
Molecular consequence: missense variant.
Genome position (GRCh38, 1-based): chr4:125,320,921, C>T. VCF-style: chr4-125320921-C-T. GRCh37 (hg19) VCF-style: chr4-126242076-C-T.
Other names: c.4510C>T, p.Pro1504Ser (NM_001291285.3, NM_024582.6); short protein forms P1504S.
Identifiers: ClinVar variation 1717329 (VCV001717329.5), dbSNP rs2530452032, ClinGen allele CA358126705.
Genomic context (GRCh38, chr4:125,320,921, plus strand): 5'-ATAGATCGGGAATTTGCTAATCTCTTTGAGTTGACTGTAAAAGCCAATGATCAAGCTGTG[C>T]CAATAGAAACTAGACGGTATGCTTTGAAGAACGTGACCATTTTGGTTACAGACCTCAATG-3'
Protein context (NP_001278232.1, residues 1494-1514): LTVKANDQAV[Pro1504Ser]IETRRYALKN